The following is an entry in ClinVar:

NM_004082.5(DCTN1):c.3440C>T (p.Ala1147Val)

Gene: DCTN1 (dynactin subunit 1; minus strand). Cytogenetic location: 2p13.1.
Variant type: single nucleotide variant.
Coding change: c.3440C>T on transcript NM_004082.5 (MANE Select); coding-DNA position 3440, C replaced by T.
Protein change: p.Ala1147Val; replaces alanine 1147 with valine.
Molecular consequence: missense variant. On other transcripts: non-coding transcript variant (1).
Genome position (GRCh38, 1-based): chr2:74,363,083, G>A on the plus strand (C>T on the coding strand, the complement: DCTN1 is on the minus strand). VCF-style: chr2-74363083-G-A. GRCh37 (hg19) VCF-style: chr2-74590210-G-A.
Other names: c.3365C>T, p.Ala1122Val (NM_001135040.3); c.3023C>T, p.Ala1008Val (NM_001135041.3); c.3314C>T, p.Ala1105Val (NM_001190836.2); c.3419C>T, p.Ala1140Val (NM_001190837.2); c.3389C>T, p.Ala1130Val (NM_001378991.1); c.3371C>T, p.Ala1124Val (NM_001378992.1); c.3038C>T, p.Ala1013Val (NM_023019.4); short protein forms A1122V, A1008V, A1105V, A1140V, A1013V, A1147V, A1124V, A1130V.
Identifiers: ClinVar variation 863932 (VCV000863932.8), dbSNP rs534309303, ClinGen allele CA1721487.

ClinVar aggregate classification (germline): Uncertain significance (1 of 4 stars; one submission).

Conditions:
Amyotrophic lateral sclerosis type 1 (ALS1). Also called: AMYOTROPHIC LATERAL SCLEROSIS 1, FAMILIAL. Identifiers: Orphanet 803, MedGen C1862939, MONDO:0007103, OMIM 105400.
Perry syndrome. Also called: PARKINSONISM WITH ALVEOLAR HYPOVENTILATION AND MENTAL DEPRESSION. Identifiers: Orphanet 178509, MedGen C1868594, MONDO:0008201, OMIM 168605.
Neuronopathy, distal hereditary motor, type 7B. Also called: Distal Hereditary Motor Neuronopathy Type 7B (dHMN7B); HMN VIIB; LOWER MOTOR NEURON DISEASE, DYNACTIN TYPE; NEURONOPATHY, DISTAL HEREDITARY MOTOR, AUTOSOMAL DOMINANT 14; NEURONOPATHY, DISTAL HEREDITARY MOTOR, HARDING TYPE VIIB; NEUROPATHY, DISTAL HEREDITARY MOTOR, HARDING TYPE VIIB. Identifiers: Orphanet 139589, MedGen C1843315, MONDO:0011879, OMIM 607641.

Allele frequency attached by ClinVar (database versions not stated): gnomAD exomes below 0.00001 and 0.00001; ExAC 0.00001; gnomAD 0.00001; TOPMed 0.00001.
gnomAD v4.1: 22 of 1,613,872 alleles (0.0014%); highest among the groups gnomAD compares: South Asian, 0.0044%; no homozygotes.

Submission:

Labcorp Genetics (formerly Invitae), Labcorp
Classification: Uncertain significance for Amyotrophic lateral sclerosis type 1; Neuronopathy, distal hereditary motor, type 7B; Perry syndrome. Last evaluated: 2023-12-30. Review status: criteria provided, single submitter. Criteria: Invitae Variant Classification Sherloc (09022015). Collection method: clinical testing. Allele origin: germline.
Comment: This sequence change replaces alanine, which is neutral and non-polar, with valine, which is neutral and non-polar, at codon 1147 of the DCTN1 protein (p.Ala1147Val). This variant is present in population databases (rs534309303, gnomAD 0.0009%). This variant has not been reported in the literature in individuals affected with DCTN1-related conditions. ClinVar contains an entry for this variant (Variation ID: 863932). Advanced modeling of protein sequence and biophysical properties (such as structural, functional, and spatial information, amino acid conservation, physicochemical variation, residue mobility, and thermodynamic stability) performed at Invitae indicates that this missense variant is not expected to disrupt DCTN1 protein function with a negative predictive value of 80%. In summary, the available evidence is currently insufficient to determine the role of this variant in disease. Therefore, it has been classified as a Variant of Uncertain Significance.